The following is an entry in ClinVar:

NM_000359.3(TGM1):c.400T>C (p.Tyr134His)

Gene: TGM1 (transglutaminase 1; minus strand). Cytogenetic location: 14q12.
Variant type: single nucleotide variant.
Coding change: c.400T>C on transcript NM_000359.3 (MANE Select); coding-DNA position 400, T replaced by C.
Protein change: p.Tyr134His; replaces tyrosine 134 with histidine.
Molecular consequence: missense variant.
Genome position (GRCh38, 1-based): chr14:24,261,803, A>G on the plus strand (T>C on the coding strand, the complement: TGM1 is on the minus strand). VCF-style: chr14-24261803-A-G. GRCh37 (hg19) VCF-style: chr14-24731009-A-G.
Other names: c.400T>C (NM_000359.2); short protein forms Y134H.
Identifiers: ClinVar variation 633817 (VCV000633817.5), dbSNP rs1230140208, ClinGen allele CA389278223.

ClinVar aggregate classification (germline): Pathogenic/Likely pathogenic. Review status: criteria provided, multiple submitters, no conflicts (2 of 4 stars). 5 submissions from 5 submitters: Pathogenic (2); Likely pathogenic (3). Last evaluated 2025-03-31.

Conditions:
Lamellar ichthyosis. Identifiers: Orphanet 313, MedGen C5848247, MONDO:0017778.
Autosomal recessive congenital ichthyosis 1 (LI1). Also called: ICHTHYOSIS CONGENITA; ICHTHYOSIS CONGENITA II; LAMELLAR EXFOLIATION OF NEWBORN; ICHTHYOSIS, CONGENITAL, AUTOSOMAL RECESSIVE 1, WITH BATHING SUIT DISTRIBUTION; ICHTHYOSIS, CONGENITAL, AUTOSOMAL RECESSIVE 1, WITH OR WITHOUT BATHING SUIT DISTRIBUTION; COLLODION FETUS. Identifiers: MedGen C4551630, MONDO:0009441, OMIM 242300.

Allele frequency attached by ClinVar (database versions not stated): gnomAD exomes 0.00001 and below 0.00001.

Submissions (5):

Women's Health and Genetics/Laboratory Corporation of America, LabCorp
Classification: Pathogenic for Lamellar ichthyosis. Last evaluated: 2025-03-31. Review status: criteria provided, single submitter. Criteria: LabCorp Variant Classification Summary - May 2015. Collection method: clinical testing. Allele origin: germline.
Comment: Variant summary: TGM1 c.400T>C (p.Tyr134His) results in a conservative amino acid change in the encoded protein sequence. Four of five in-silico tools predict a damaging effect of the variant on protein function. The variant allele was found at a frequency of 4e-06 in 251436 control chromosomes. c.400T>C has been reported in the literature in individuals affected with Lamellar Ichthyosis. (Youssefian_2019). To our knowledge, no experimental evidence demonstrating an impact on protein function has been reported. A different amino acid change affecting the same codon (c.401A>G, p.Y134C) has been classified as Pathogenic in ClinVar supporting a critical relevance of this residue to TGM1 protein function. The following publication has been ascertained in the context of this evaluation (PMID: 30578701). ClinVar contains an entry for this variant (Variation ID: 633817). Based on the evidence outlined above, the variant was classified as pathogenic.

Natera, Inc.
Classification: Likely pathogenic for Autosomal recessive congenital ichthyosis type 1. Last evaluated: 2024-09-19. Review status: criteria provided, single submitter. Criteria: Natera Variant Classification Schema (03/2026). Collection method: clinical testing. Allele origin: germline.
Comment: The c.400T>C variant in TGM1 is a missense variant predicted to cause substitution of tyrosine to histidine at amino acid 134. This variant is rare in the general population with a frequency below the threshold expected for the associated phenotype(s). This variant has been observed in one or more individuals affected with the associated recessive disease, as either homozygous or compound heterozygous with a second variant (PMID: 30578701). A different variant at the same position has been determined to be Pathogenic or Likely Pathogenic. Computational prediction algorithms indicate this variant is likely to affect gene or protein function. Given the available evidence, this variant is classified as Likely Pathogenic.

3billion
Classification: Pathogenic for Autosomal recessive congenital ichthyosis 1. Last evaluated: 2022-01-03. Review status: criteria provided, single submitter. Criteria: ACMG Guidelines, 2015. Collection method: clinical testing. Allele origin: germline. Affected: yes. Observed: 1 homozygote.
Comment: Same nucleotide change resulting in same amino acid change has been previously reported to be associated with TGM1 related disorder (ClinVar ID: VCV000633817, PMID:30578701, PS1_S). A different missense change at the same codon (p.Tyr134Cys) has been reported as pathogenic/likely pathogenic with strong evidence (ClinVar ID: VCV000551268, PMID:18948357, PM5_M). In silico tool predictions suggest damaging effect of the variant on gene or gene product (REVEL: 0.647, PP3_P). Missense changes are a common disease-causing mechanism (PP2_P). It is observed at an extremely low frequency in the gnomAD v2.1.1 dataset (total allele frequency: 0.000004, PM2_M). Therefore, this variant is classified as pathogenic according to the recommendation of ACMG/AMP guideline.

Uitto Lab, Thomas Jefferson University
Classification: Likely pathogenic for Congenita IIs, Ichthyosis. Last evaluated: 2018-06-08. Review status: criteria provided, single submitter. Criteria: ACMG Guidelines, 2015. Collection method: clinical testing. Allele origin: germline. Affected: yes. Study: Rare heritable connective tissue and skin disorders in Iranian cohort.

Genome-Nilou Lab
Classification: Likely pathogenic for Autosomal recessive congenital ichthyosis 1. Review status: criteria provided, single submitter. Criteria: ACMG Guidelines, 2015. Collection method: clinical testing. Allele origin: germline.

Literature cited by the submitters: PubMed 30578701 (cited by 3 submitters); PubMed 18948357 (cited by 3billion).